The following is an entry in ClinVar:

NM_012330.4(KAT6B):c.3455C>T (p.Thr1152Met)

Gene: KAT6B (lysine acetyltransferase 6B; plus strand). Cytogenetic location: 10q22.2.
Variant type: single nucleotide variant.
Coding change: c.3455C>T on transcript NM_012330.4 (MANE Select); coding-DNA position 3455, C replaced by T.
Protein change: p.Thr1152Met; replaces threonine 1152 with methionine.
Molecular consequence: missense variant.
Genome position (GRCh38, 1-based): chr10:75,025,040, C>T. VCF-style: chr10-75025040-C-T. GRCh37 (hg19) VCF-style: chr10-76784798-C-T.
Other names: c.2906C>T, p.Thr969Met (NM_001256468.2, NM_001370138.1); c.2579C>T, p.Thr860Met (NM_001256469.2, NM_001370139.1, NM_001370140.1 and 2 more transcripts); c.2417C>T, p.Thr806Met (NM_001370132.1); c.1766C>T, p.Thr589Met (NM_001370133.1); c.1370C>T, p.Thr457Met (NM_001370134.1); c.1112C>T, p.Thr371Met (NM_001370135.1); c.3455C>T, p.Thr1152Met (NM_001370136.1, NM_001370137.1); c.2390C>T, p.Thr797Met (NM_001370143.1, NM_001370144.1); short protein forms T457M, T806M, T860M, T969M, T589M, T797M, T1152M, T371M.
Identifiers: ClinVar variation 1909035 (VCV001909035.5), dbSNP rs139898065, ClinGen allele CA5564832.

ClinVar aggregate classification (germline): Uncertain significance (1 of 4 stars; one submission).

Conditions:
Genitopatellar syndrome (GTPTS). Also called: Genitopatellar syndrome (GPS); ABSENT PATELLAE, SCROTAL HYPOPLASIA, RENAL ANOMALIES, FACIAL DYSMORPHISM, AND MENTAL RETARDATION. Identifiers: Orphanet 85201, MedGen C1853566, MONDO:0011640, OMIM 606170.

Allele frequency attached by ClinVar (database versions not stated): ESP Exome Variant Server 0.00008.
gnomAD v4.1: 61 of 1,613,984 alleles (0.0038%); highest among the groups gnomAD compares: Admixed American, 0.023%; no homozygotes.

Submission:

Labcorp Genetics (formerly Invitae), Labcorp
Classification: Uncertain significance for Genitopatellar syndrome. Last evaluated: 2025-07-14. Review status: criteria provided, single submitter. Criteria: Invitae Variant Classification Sherloc (09022015). Collection method: clinical testing. Allele origin: germline.
Comment: This sequence change replaces threonine, which is neutral and polar, with methionine, which is neutral and non-polar, at codon 1152 of the KAT6B protein (p.Thr1152Met). This variant is present in population databases (rs139898065, gnomAD 0.01%). This variant has not been reported in the literature in individuals affected with KAT6B-related conditions. ClinVar contains an entry for this variant (Variation ID: 1909035). Invitae Evidence Modeling of protein sequence and biophysical properties (such as structural, functional, and spatial information, amino acid conservation, physicochemical variation, residue mobility, and thermodynamic stability) has been performed for this missense variant. However, the output from this modeling did not meet the statistical confidence thresholds required to predict the impact of this variant on KAT6B protein function. In summary, the available evidence is currently insufficient to determine the role of this variant in disease. Therefore, it has been classified as a Variant of Uncertain Significance.